The following is an entry in ClinVar:

ClinVar aggregate classification (germline): Uncertain significance (1 of 4 stars; one submission).

Submission:

Labcorp Genetics (formerly Invitae), Labcorp
Classification: Uncertain significance. Last evaluated: 2022-10-24. Review status: criteria provided, single submitter. Criteria: Invitae Variant Classification Sherloc (09022015). Collection method: clinical testing. Allele origin: germline.
Comment: In summary, the available evidence is currently insufficient to determine the role of this variant in disease. Therefore, it has been classified as a Variant of Uncertain Significance. Advanced modeling of protein sequence and biophysical properties (such as structural, functional, and spatial information, amino acid conservation, physicochemical variation, residue mobility, and thermodynamic stability) performed at Invitae indicates that this missense variant is not expected to disrupt ADAM9 protein function. This variant has not been reported in the literature in individuals affected with ADAM9-related conditions. This variant is not present in population databases (gnomAD no frequency). This sequence change replaces threonine, which is neutral and polar, with asparagine, which is neutral and polar, at codon 312 of the ADAM9 protein (p.Thr312Asn).

NM_003816.3(ADAM9):c.935C>A (p.Thr312Asn)

Gene: ADAM9 (ADAM metallopeptidase domain 9; plus strand). Cytogenetic location: 8p11.22.
Variant type: single nucleotide variant.
Coding change: c.935C>A on transcript NM_003816.3 (MANE Select); coding-DNA position 935, C replaced by A.
Protein change: p.Thr312Asn; replaces threonine 312 with asparagine.
Molecular consequence: missense variant. On other transcripts: non-coding transcript variant (3).
Genome position (GRCh38, 1-based): chr8:39,025,823, C>A. VCF-style: chr8-39025823-C-A. GRCh37 (hg19) VCF-style: chr8-38883342-C-A.
Other names: short protein forms T312N.
Identifiers: ClinVar variation 2097461 (VCV002097461.4), dbSNP rs1218447794, ClinGen allele CA370754408.
Genomic context (GRCh38, chr8:39,025,823, plus strand): 5'-TTCCCCAAGAACATTTTTTAACTTTTACATTTTCATTTAGAAAGAAAGGTTTTGGTGGAA[C>A]TGCAGGAATGGCATTTGTGGGAACAGTGTGTTCAAGGAGCCACGCAGGCGGGATTAATGT-3'
Protein context (NP_003807.1, residues 302-322): QLVLKKGFGG[Thr312Asn]AGMAFVGTVC